The following is an entry in ClinVar:

ClinVar aggregate classification (germline): Uncertain significance. Review status: criteria provided, multiple submitters, no conflicts (2 of 4 stars). 2 submissions from 2 submitters: Uncertain significance (2). Last evaluated 2025-06-16.

Conditions:
Inborn genetic diseases. Identifiers: MedGen C0950123, MeSH D030342.
Multiple gastrointestinal atresias. Also called: FAMILIAL INTESTINAL POLYATRESIA SYNDROME; Multiple intestinal atresia. Identifiers: Orphanet 2300, MedGen C0220744, MONDO:0009465.

gnomAD v4.1: 4 of 1,614,050 alleles (0.00025%); highest among the groups gnomAD compares: Admixed American, 0.0067%; no homozygotes.

Submissions (2):

Ambry Genetics
Classification: Uncertain significance for Inborn genetic diseases. Last evaluated: 2025-06-16. Review status: criteria provided, single submitter. Criteria: Ambry Variant Classification Scheme 2023. Collection method: clinical testing. Allele origin: germline.

Labcorp Genetics (formerly Invitae), Labcorp
Classification: Uncertain significance for Multiple gastrointestinal atresias. Last evaluated: 2022-10-24. Review status: criteria provided, single submitter. Criteria: Invitae Variant Classification Sherloc (09022015). Collection method: clinical testing. Allele origin: germline.
Comment: Advanced modeling of protein sequence and biophysical properties (such as structural, functional, and spatial information, amino acid conservation, physicochemical variation, residue mobility, and thermodynamic stability) performed at Invitae indicates that this missense variant is expected to disrupt TTC7A protein function. ClinVar contains an entry for this variant (Variation ID: 1476436). This variant has not been reported in the literature in individuals affected with TTC7A-related conditions. This variant is present in population databases (rs752603355, gnomAD 0.009%). This sequence change replaces alanine, which is neutral and non-polar, with proline, which is neutral and non-polar, at codon 247 of the TTC7A protein (p.Ala247Pro). In summary, the available evidence is currently insufficient to determine the role of this variant in disease. Therefore, it has been classified as a Variant of Uncertain Significance.

NM_020458.4(TTC7A):c.739G>C (p.Ala247Pro)

Gene: TTC7A (tetratricopeptide repeat domain 7A; plus strand). Cytogenetic location: 2p21.
Variant type: single nucleotide variant.
Coding change: c.739G>C on transcript NM_020458.4 (MANE Select); coding-DNA position 739, G replaced by C.
Protein change: p.Ala247Pro; replaces alanine 247 with proline.
Molecular consequence: missense variant. On other transcripts: 5 prime UTR variant (1).
Genome position (GRCh38, 1-based): chr2:46,978,882, G>C. VCF-style: chr2-46978882-G-C. GRCh37 (hg19) VCF-style: chr2-47206021-G-C.
Other names: c.739G>C, p.Ala247Pro (NM_001288951.2); c.637G>C, p.Ala213Pro (NM_001288953.2); c.-166G>C (NM_001288955.2); c.739G>C (NM_020458.2); short protein forms A213P, A247P.
Identifiers: ClinVar variation 1476436 (VCV001476436.9), dbSNP rs752603355, ClinGen allele CA1647327.